The following is an entry in ClinVar:

ClinVar aggregate classification (germline): Benign. Review status: criteria provided, multiple submitters, no conflicts (2 of 4 stars). 2 submissions from 2 submitters: Benign (2). Last evaluated 2018-06-19.

Allele frequency attached by ClinVar (database versions not stated): 1000 Genomes Project 30x 0.06262; gnomAD 0.06632 and 0.06994; ESP Exome Variant Server 0.06938; TOPMed 0.07336; gnomAD exomes 0.03756 and 0.04080; ExAC 0.04002; 1000 Genomes Project 0.06130.
gnomAD v4.1: 69,281 of 1,603,102 alleles (4.3%); highest among the groups gnomAD compares: African/African-American, 15%; 2,058 homozygotes.

Submissions (2):

GeneDx
Classification: Benign. Last evaluated: 2018-06-19. Review status: criteria provided, single submitter. Criteria: GeneDx Variant Classification (06012015). Collection method: clinical testing. Allele origin: germline. Affected: yes.
Comment: This variant is considered likely benign or benign based on one or more of the following criteria: it is a conservative change, it occurs at a poorly conserved position in the protein, it is predicted to be benign by multiple in silico algorithms, and/or has population frequency not consistent with disease.

Breakthrough Genomics
Classification: Benign. Review status: criteria provided, single submitter. Criteria: ACMG Guidelines, 2015. Collection method: not provided. Allele origin: germline. Inheritance: Autosomal dominant inheritance. Affected: yes.

NM_022114.4(PRDM16):c.3109+50C>T

Gene: PRDM16 (PR/SET domain 16; plus strand). Cytogenetic location: 1p36.32.
Variant type: single nucleotide variant.
Coding change: c.3109+50C>T on transcript NM_022114.4 (MANE Select); 50 bases into the intron after coding-DNA position 3109, C replaced by T.
Molecular consequence: intron variant.
Genome position (GRCh38, 1-based): chr1:3,425,800, C>T. VCF-style: chr1-3425800-C-T. GRCh37 (hg19) VCF-style: chr1-3342364-C-T.
Other names: c.3109+50C>T (NM_199454.3).
Identifiers: ClinVar variation 674855 (VCV000674855.2), dbSNP rs11805974, ClinGen allele CA544725.
Genomic context (GRCh38, chr1:3,425,800, plus strand): 5'-GAACGCACCAGGTGGGCCACGCGGGGTGGGGCAGCCCCCAGAGCACCCACACGGGCAGGC[C>T]CCACAGAGGGGGAGGGGGAACAGCAGGGGAGTGGGCGCCGGGCAGGGAAGAGGGCCACAG-3'